The following is an entry in ClinVar:

NM_001040142.2(SCN2A):c.1186G>T (p.Ala396Ser)

Gene: SCN2A (sodium voltage-gated channel alpha subunit 2; plus strand). Cytogenetic location: 2q24.3.
Variant type: single nucleotide variant.
Coding change: c.1186G>T on transcript NM_001040142.2 (MANE Select); coding-DNA position 1186, G replaced by T.
Protein change: p.Ala396Ser; replaces alanine 396 with serine.
Molecular consequence: missense variant.
Genome position (GRCh38, 1-based): chr2:165,313,911, G>T. VCF-style: chr2-165313911-G-T. GRCh37 (hg19) VCF-style: chr2-166170421-G-T.
Other names: c.1186G>T, p.Ala396Ser (NM_001040143.2, NM_001371246.1, NM_001371247.1 and 1 more transcripts); short protein forms A396S.
Identifiers: ClinVar variation 1201001 (VCV001201001.4), dbSNP rs768191357, ClinGen allele CA1939778.

ClinVar aggregate classification (germline): Uncertain significance (1 of 4 stars; one submission).

Allele frequency attached by ClinVar (database versions not stated): gnomAD exomes below 0.00001; ExAC 0.00001.
gnomAD v4.1: 4 of 1,613,738 alleles (0.00025%); highest among the groups gnomAD compares: Non-Finnish European, 0.00017%; no homozygotes.

Submission:

GeneDx
Classification: Uncertain significance. Last evaluated: 2024-05-28. Review status: criteria provided, single submitter. Criteria: GeneDx Variant Classification Process June 2021. Collection method: clinical testing. Allele origin: germline. Affected: yes.
Comment: Not observed at significant frequency in large population cohorts (gnomAD); In silico analysis supports that this missense variant has a deleterious effect on protein structure/function; Has not been previously published as pathogenic or benign to our knowledge; This substitution is predicted to be within the extracellular loop between the S5 and S6 transmembrane segments of the first homologous domain